The following is an entry in ClinVar:

ClinVar aggregate classification (germline): Uncertain significance (1 of 4 stars; one submission).

Conditions:
Developmental and epileptic encephalopathy, 1 (DEE1). Also called: X-linked infantile spasms; West's syndrome; Tonic spasms with clustering, arrest of psychomotor development and hypsarrhythmia on EEG; X-Linked Infantile Spasm Syndrome; Epileptic encephalopathy, early infantile, 1; INFANTILE SPASM SYNDROME, X-LINKED 1. Identifiers: MedGen C3463992, MONDO:0010632, OMIM 308350. Disease mechanism: loss of function.
Autosomal recessive spinocerebellar ataxia 12. Also called: SPINOCEREBELLAR ATAXIA WITH MENTAL RETARDATION AND EPILEPSY. Identifiers: Orphanet 284282, MedGen C3280452, MONDO:0013687, OMIM 614322.

Allele frequency attached by ClinVar (database versions not stated): gnomAD exomes 0.00002.
gnomAD v4.1: 25 of 1,582,042 alleles (0.0016%); highest among the groups gnomAD compares: Non-Finnish European, 0.0021%; no homozygotes.

Submission:

Labcorp Genetics (formerly Invitae), Labcorp
Classification: Uncertain significance for Developmental and epileptic encephalopathy, 1; Autosomal recessive spinocerebellar ataxia 12. Last evaluated: 2021-11-28. Review status: criteria provided, single submitter. Criteria: Invitae Variant Classification Sherloc (09022015). Collection method: clinical testing. Allele origin: germline.
Comment: This sequence change replaces tryptophan, which is neutral and slightly polar, with cysteine, which is neutral and slightly polar, at codon 22 of the WWOX protein (p.Trp22Cys). The frequency data for this variant in the population databases is considered unreliable, as metrics indicate poor data quality at this position in the gnomAD database. This variant has not been reported in the literature in individuals affected with WWOX-related conditions. Algorithms developed to predict the effect of missense changes on protein structure and function are either unavailable or do not agree on the potential impact of this missense change (SIFT: "Not Available"; PolyPhen-2: "Probably Damaging"; Align-GVGD: "Not Available"). Algorithms developed to predict the effect of sequence changes on RNA splicing suggest that this variant may create or strengthen a splice site. In summary, the available evidence is currently insufficient to determine the role of this variant in disease. Therefore, it has been classified as a Variant of Uncertain Significance.

NM_016373.4(WWOX):c.66G>T (p.Trp22Cys)

Gene: WWOX (WW domain containing oxidoreductase; plus strand). Cytogenetic location: 16q23.1.
Variant type: single nucleotide variant.
Coding change: c.66G>T on transcript NM_016373.4 (MANE Select); coding-DNA position 66, G replaced by T.
Protein change: p.Trp22Cys; replaces tryptophan 22 with cysteine.
Molecular consequence: missense variant. On other transcripts: 5 prime UTR variant (1), non-coding transcript variant (2).
Genome position (GRCh38, 1-based): chr16:78,099,844, G>T. VCF-style: chr16-78099844-G-T. GRCh37 (hg19) VCF-style: chr16-78133741-G-T.
Other names: c.-209G>T (NM_001291997.2); c.66G>T, p.Trp22Cys (NM_130791.5); short protein forms W22C.
Identifiers: ClinVar variation 1474088 (VCV001474088.3), dbSNP rs1231403909, ClinGen allele CA396841857.